The following is an entry in ClinVar:

NM_000275.3(OCA2):c.1970G>T (p.Gly657Val)

Gene: OCA2 (OCA2 melanosomal transmembrane protein; minus strand). Cytogenetic location: 15q13.1.
Variant type: single nucleotide variant.
Coding change: c.1970G>T on transcript NM_000275.3 (MANE Select); coding-DNA position 1970, G replaced by T.
Protein change: p.Gly657Val; replaces glycine 657 with valine.
Molecular consequence: missense variant.
Genome position (GRCh38, 1-based): chr15:27,926,236, C>A on the plus strand (G>T on the coding strand, the complement: OCA2 is on the minus strand). VCF-style: chr15-27926236-C-A. GRCh37 (hg19) VCF-style: chr15-28171382-C-A.
Other names: c.1898G>T, p.Gly633Val (NM_001300984.2); short protein forms G657V, G633V.
Identifiers: ClinVar variation 2910365 (VCV002910365.5), dbSNP rs957981838, ClinGen allele CA391361384.

ClinVar aggregate classification (germline): Likely pathogenic. Review status: criteria provided, multiple submitters, no conflicts (2 of 4 stars). 2 submissions from 2 submitters: Likely pathogenic (2). Last evaluated 2025-02-19.

Conditions:
Tyrosinase-positive oculocutaneous albinism (OCA2). Also called: ALBINISM II; Albinism, oculocutaneous, type II; Oculocutaneous albinism type 2. Identifiers: Orphanet 79432, MedGen C0268495, MONDO:0008746, OMIM 203200.

Submissions (2):

Victorian Clinical Genetics Services, Murdoch Childrens Research Institute
Classification: Likely pathogenic for Tyrosinase-positive oculocutaneous albinism. Last evaluated: 2025-02-19. Review status: criteria provided, single submitter. Criteria: ACMG Guidelines, 2015. Collection method: clinical testing. Allele origin: germline. Affected: yes.
Comment: This variant is classified as Likely pathogenic. Evidence in support of pathogenic classification: Variant is absent from gnomAD (v2, v3 and v4); This variant has limited previous evidence of pathogenicity in unrelated individual(s). This variant has been classified as likely pathogenic by a clinical laboratory in ClinVar, and has been observed in an individual with oculocutaneous albinism in the literature (PMID: 29437493); Other missense variant(s) comparable to the one identified in this case have moderate previous evidence for pathogenicity. p.(Gly657Arg) has been classified as likely pathogenic by a clinical laboratory in ClinVar, and reported in the literature in a homozygous individual with oculocutaneous albinism (PMID: 26818737). Another change, p.(Gly657Asp), has also been reported in the literature in an assumed compound heterozygous individual with oculocutaneous albinism (PMID: 29345414); Missense variant predicted to be damaging by in silico tool(s) or highly conserved with a major amino acid change. Additional information: Variant is predicted to result in a missense amino acid change from glycine to valine; This variant is heterozygous; This gene is associated with autosomal recessive disease; Alternative amino acid change(s) at the same position are present in gnomAD (Highest allele count: v4: 8 heterozygote(s), 0 homozygote(s)); No published segregation evidence has been identified for this variant; No published functional evidence has been identified for this variant; Variant is located in the annotated citrate transporter domain (DECIPHER); Loss of function is a known mechanism of disease in this gene and is associated with oculocutaneous albinism, type II (MIM#203200); Variants in this gene are known to have variable expressivity (PMID: 24518832, OMIM); Inheritance information for this variant is not currently available in this individual.

Labcorp Genetics (formerly Invitae), Labcorp
Classification: Likely pathogenic. Last evaluated: 2023-10-07. Review status: criteria provided, single submitter. Criteria: Invitae Variant Classification Sherloc (09022015). Collection method: clinical testing. Allele origin: germline.
Comment: This sequence change replaces glycine, which is neutral and non-polar, with valine, which is neutral and non-polar, at codon 657 of the OCA2 protein (p.Gly657Val). This variant is not present in population databases (gnomAD no frequency). This missense change has been observed in individual(s) with oculocutaneous albinism (PMID: 29437493). In at least one individual the data is consistent with being in trans (on the opposite chromosome) from a pathogenic variant. Advanced modeling of protein sequence and biophysical properties (such as structural, functional, and spatial information, amino acid conservation, physicochemical variation, residue mobility, and thermodynamic stability) performed at Invitae indicates that this missense variant is expected to disrupt OCA2 protein function. This variant disrupts the p.Gly657 amino acid residue in OCA2. Other variant(s) that disrupt this residue have been observed in individuals with OCA2-related conditions (PMID: 29345414), which suggests that this may be a clinically significant amino acid residue. In summary, the currently available evidence indicates that the variant is pathogenic, but additional data are needed to prove that conclusively. Therefore, this variant has been classified as Likely Pathogenic.

Literature cited by the submitters: PubMed 29437493 (cited by Victorian Clinical Genetics Services, Murdoch Childrens Research Institute and Labcorp Genetics (formerly Invitae), Labcorp); PubMed 24518832 (cited by Victorian Clinical Genetics Services, Murdoch Childrens Research Institute); PubMed 26818737 (cited by Victorian Clinical Genetics Services, Murdoch Childrens Research Institute); PubMed 29345414 (cited by Victorian Clinical Genetics Services, Murdoch Childrens Research Institute and Labcorp Genetics (formerly Invitae), Labcorp).